The following is an entry in ClinVar:

NM_005585.5(SMAD6):c.491_493dup (p.Arg164_Leu165insArg)

Gene: SMAD6 (SMAD family member 6; plus strand). Cytogenetic location: 15q22.31.
Variant type: Duplication.
Coding change: c.491_493dup on transcript NM_005585.5 (MANE Select); coding-DNA positions 491 to 493, 3 bases duplicated (GGC; older notation c.491_493dupGGC).
Protein change: p.Arg164_Leu165insArg.
Molecular consequence: inframe insertion. On other transcripts: non-coding transcript variant (1).
Genome position (GRCh38, 1-based): chr15:66,703,749-66,703,751, GGC duplicated; duplicating any 3 consecutive bases within chr15:66,703,747-66,703,751 gives the same sequence; the c. name uses the placement nearest the transcript's 3' end. VCF-style (leftmost placement, unchanged base first): chr15-66703746-C-CGCG. GRCh37 (hg19) VCF-style: chr15-66996084-C-CGCG.
Identifiers: ClinVar variation 4748770 (VCV004748770.1).

ClinVar aggregate classification (germline): Uncertain significance (1 of 4 stars; one submission).

Conditions:
Aortic valve disease 2 (AOVD2). Identifiers: MedGen C3542024, MONDO:0013902, OMIM 614823.

Submission:

Labcorp Genetics (formerly Invitae), Labcorp
Classification: Uncertain significance for Aortic valve disease 2. Last evaluated: 2025-04-21. Review status: criteria provided, single submitter. Criteria: Invitae Variant Classification Sherloc (09022015). Collection method: clinical testing. Allele origin: germline.
Comment: This variant, c.491_493dup, results in the insertion of 1 amino acid(s) of the SMAD6 protein (p.Arg164dup), but otherwise preserves the integrity of the reading frame. This variant is not present in population databases (gnomAD no frequency). This variant has not been reported in the literature in individuals affected with SMAD6-related conditions. In summary, the available evidence is currently insufficient to determine the role of this variant in disease. Therefore, it has been classified as a Variant of Uncertain Significance.